The following is an entry in ClinVar:

NM_001690.4(ATP6V1A):c.644G>C (p.Arg215Pro)

Gene: ATP6V1A (ATPase H+ transporting V1 subunit A; plus strand). Cytogenetic location: 3q13.31.
Variant type: single nucleotide variant.
Coding change: c.644G>C on transcript NM_001690.4 (MANE Select); coding-DNA position 644, G replaced by C.
Protein change: p.Arg215Pro; replaces arginine 215 with proline.
Molecular consequence: missense variant.
Genome position (GRCh38, 1-based): chr3:113,786,311, G>C. VCF-style: chr3-113786311-G-C. GRCh37 (hg19) VCF-style: chr3-113505158-G-C.
Other names: short protein forms R215P.
Identifiers: ClinVar variation 3703569 (VCV003703569.2).

ClinVar aggregate classification (germline): Uncertain significance (1 of 4 stars; one submission).

Submission:

Labcorp Genetics (formerly Invitae), Labcorp
Classification: Uncertain significance. Last evaluated: 2024-10-11. Review status: criteria provided, single submitter. Criteria: Invitae Variant Classification Sherloc (09022015). Collection method: clinical testing. Allele origin: germline.
Comment: This sequence change replaces arginine, which is basic and polar, with proline, which is neutral and non-polar, at codon 215 of the ATP6V1A protein (p.Arg215Pro). This variant is not present in population databases (gnomAD no frequency). This variant has not been reported in the literature in individuals affected with ATP6V1A-related conditions. Invitae Evidence Modeling of protein sequence and biophysical properties (such as structural, functional, and spatial information, amino acid conservation, physicochemical variation, residue mobility, and thermodynamic stability) indicates that this missense variant is expected to disrupt ATP6V1A protein function with a positive predictive value of 80%. In summary, the available evidence is currently insufficient to determine the role of this variant in disease. Therefore, it has been classified as a Variant of Uncertain Significance.